The following is an entry in ClinVar:

NM_000152.5(GAA):c.1611G>T (p.Glu537Asp)

Gene: GAA (alpha glucosidase; plus strand). Cytogenetic location: 17q25.3.
Variant type: single nucleotide variant.
Coding change: c.1611G>T on transcript NM_000152.5 (MANE Select); coding-DNA position 1611, G replaced by T.
Protein change: p.Glu537Asp; replaces glutamic acid 537 with aspartic acid.
Molecular consequence: missense variant.
Genome position (GRCh38, 1-based): chr17:80,111,000, G>T. VCF-style: chr17-80111000-G-T. GRCh37 (hg19) VCF-style: chr17-78084799-G-T.
Other names: c.1611G>T, p.Glu537Asp (NM_001079803.3, NM_001079804.3, NM_001406741.1 and 1 more transcripts); short protein forms E537D.
Identifiers: ClinVar variation 2165820 (VCV002165820.4), dbSNP rs2039224476, ClinGen allele CA401367315.

ClinVar aggregate classification (germline): Uncertain significance (1 of 4 stars; one submission).

Conditions:
Glycogen storage disease, type II (IOPD). Also called: ACID ALPHA-GLUCOSIDASE DEFICIENCY, INFANTILE-ONSET; GAA DEFICIENCY, INFANTILE-ONSET; ACID MALTASE DEFICIENCY, INFANTILE-ONSET; POMPE DISEASE, INFANTILE-ONSET; GLYCOGEN STORAGE DISEASE II, INFANTILE-ONSET; CARDIOMEGALIA GLYCOGENICA DIFFUSA. Identifiers: Orphanet 365, MedGen C0017921, MONDO:0009290, OMIM 232300.

Allele frequency attached by ClinVar (database versions not stated): TOPMed below 0.00001.
gnomAD v4.1: 1 of 1,613,896 alleles (0.000062%); no homozygotes.

Submission:

Labcorp Genetics (formerly Invitae), Labcorp
Classification: Uncertain significance for Glycogen storage disease, type II. Last evaluated: 2022-06-22. Review status: criteria provided, single submitter. Criteria: Invitae Variant Classification Sherloc (09022015). Collection method: clinical testing. Allele origin: germline.
Comment: This sequence change replaces glutamic acid, which is acidic and polar, with aspartic acid, which is acidic and polar, at codon 537 of the GAA protein (p.Glu537Asp). This variant is not present in population databases (gnomAD no frequency). This variant has not been reported in the literature in individuals affected with GAA-related conditions. Advanced modeling of protein sequence and biophysical properties (such as structural, functional, and spatial information, amino acid conservation, physicochemical variation, residue mobility, and thermodynamic stability) performed at Invitae indicates that this missense variant is not expected to disrupt GAA protein function. In summary, the available evidence is currently insufficient to determine the role of this variant in disease. Therefore, it has been classified as a Variant of Uncertain Significance.